The following is an entry in ClinVar:

NM_000465.4(BARD1):c.1908A>G (p.Val636=)

Gene: BARD1 (BRCA1 associated RING domain 1; minus strand). Cytogenetic location: 2q35.
Variant type: single nucleotide variant.
Coding change: c.1908A>G on transcript NM_000465.4 (MANE Select); coding-DNA position 1908, A replaced by G.
Protein change: p.Val636=; no amino-acid change (valine 636 retained).
Molecular consequence: synonymous variant. On other transcripts: non-coding transcript variant (3).
Genome position (GRCh38, 1-based): chr2:214,730,504, T>C on the plus strand (A>G on the coding strand, the complement: BARD1 is on the minus strand). VCF-style: chr2-214730504-T-C. GRCh37 (hg19) VCF-style: chr2-215595228-T-C.
Other names: c.1851A>G, p.Val617= (NM_001282543.2); c.555A>G, p.Val185= (NM_001282545.2); c.498A>G, p.Val166= (NM_001282548.2); c.369A>G, p.Val123= (NM_001282549.2).
Identifiers: ClinVar variation 820315 (VCV000820315.8), dbSNP rs1574707330, ClinGen allele CA431139745.

ClinVar aggregate classification (germline): Benign/Likely benign. Review status: criteria provided, multiple submitters, no conflicts (2 of 4 stars). 3 submissions from 3 submitters: Benign (1); Likely benign (2). Last evaluated 2024-12-23.

Conditions:
Hereditary cancer-predisposing syndrome. Also called: Neoplastic Syndromes, Hereditary; Tumor predisposition; Hereditary Cancer Syndrome; Hereditary neoplastic syndrome. Identifiers: Orphanet 140162, MedGen C0027672, MeSH D009386, MONDO:0015356.
Familial cancer of breast. Also called: BREAST CANCER, FAMILIAL; Hereditary breast cancer; hereditary breast carcinoma. Identifiers: Orphanet 227535, MedGen C0346153, MONDO:0016419, OMIM 114480. Disease mechanism: loss of function.

Allele frequency attached by ClinVar (database versions not stated): gnomAD exomes 0.00001.
gnomAD v4.1: 5 of 1,613,708 alleles (0.00031%); highest among the groups gnomAD compares: Non-Finnish European, 0.00042%; no homozygotes.

Submissions (3):

Labcorp Genetics (formerly Invitae), Labcorp
Classification: Likely benign for Familial cancer of breast. Last evaluated: 2024-12-23. Review status: criteria provided, single submitter. Criteria: Invitae Variant Classification Sherloc (09022015). Collection method: clinical testing. Allele origin: germline.

Myriad Genetics, Inc.
Classification: Benign for Familial cancer of breast. Last evaluated: 2024-07-29. Review status: criteria provided, single submitter. Criteria: Myriad Autosomal Dominant, Autosomal Recessive and X-Linked Classification Criteria (2023). Collection method: clinical testing. Allele origin: unknown.
Comment: This variant is considered benign. This variant is a silent/synonymous amino acid change and it is not expected to impact splicing.

Ambry Genetics
Classification: Likely benign for Hereditary cancer-predisposing syndrome. Last evaluated: 2019-12-14. Review status: criteria provided, single submitter. Criteria: Ambry Variant Classification Scheme 2023. Collection method: clinical testing. Allele origin: germline.